The following is an entry in ClinVar:

ClinVar aggregate classification (germline): Benign (1 of 4 stars; one submission).

Allele frequency attached by ClinVar (database versions not stated): gnomAD 0.01846 and 0.01976; 1000 Genomes Project 30x 0.02092; 1000 Genomes Project 0.02097; TOPMed 0.02098.
gnomAD v4.1: 2,788 of 152,032 alleles (1.8%); highest among the groups gnomAD compares: African/African-American, 6.1%; 87 homozygotes.

Submission:

GeneDx
Classification: Benign. Last evaluated: 2018-06-16. Review status: criteria provided, single submitter. Criteria: GeneDx Variant Classification (06012015). Collection method: clinical testing. Allele origin: germline. Affected: yes.
Comment: This variant is considered likely benign or benign based on one or more of the following criteria: it is a conservative change, it occurs at a poorly conserved position in the protein, it is predicted to be benign by multiple in silico algorithms, and/or has population frequency not consistent with disease.

NM_153704.6(TMEM67):c.407-272C>T

Gene: TMEM67 (transmembrane protein 67; plus strand). Cytogenetic location: 8q22.1.
Variant type: single nucleotide variant.
Coding change: c.407-272C>T on transcript NM_153704.6 (MANE Select); 272 bases into the intron before coding-DNA position 407, C replaced by T.
Molecular consequence: intron variant.
Genome position (GRCh38, 1-based): chr8:93,763,570, C>T. VCF-style: chr8-93763570-C-T. GRCh37 (hg19) VCF-style: chr8-94775798-C-T.
Other names: c.164-272C>T (NM_001142301.1).
Identifiers: ClinVar variation 673869 (VCV000673869.1), dbSNP rs73694922, ClinGen allele CA181310419.